The following is an entry in ClinVar:

NM_198253.3(TERT):c.1172C>T (p.Pro391Leu)

Gene: TERT (telomerase reverse transcriptase; minus strand). Cytogenetic location: 5p15.33.
Variant type: single nucleotide variant.
Coding change: c.1172C>T on transcript NM_198253.3 (MANE Select); coding-DNA position 1172, C replaced by T.
Protein change: p.Pro391Leu; replaces proline 391 with leucine.
Molecular consequence: missense variant. On other transcripts: non-coding transcript variant (2).
Genome position (GRCh38, 1-based): chr5:1,293,714, G>A on the plus strand (C>T on the coding strand, the complement: TERT is on the minus strand). VCF-style: chr5-1293714-G-A. GRCh37 (hg19) VCF-style: chr5-1293829-G-A.
Other names: c.1172C>T, p.Pro391Leu (NM_001193376.3, NM_003219.1); short protein forms P391L.
Identifiers: ClinVar variation 2930756 (VCV002930756.3), dbSNP rs1314611158, ClinGen allele CA359086650.

ClinVar aggregate classification (germline): Uncertain significance (1 of 4 stars; one submission).

Conditions:
Idiopathic Pulmonary Fibrosis. Also called: Idiopathic fibrosing alveolitis, chronic form; idiopathic fibrosing alveolitis. Identifiers: Orphanet 2032, MedGen C1800706, MeSH D054990, MONDO:0800504.
Dyskeratosis congenita, autosomal dominant 2. Identifiers: MedGen C3151443, MONDO:0013521, OMIM 613989.

Allele frequency attached by ClinVar (database versions not stated): gnomAD exomes below 0.00001; TOPMed 0.00001.
gnomAD v4.1: 1 of 1,572,810 alleles (0.000064%); highest among the groups gnomAD compares: Non-Finnish European, 0.000086%; no homozygotes.

Submission:

Labcorp Genetics (formerly Invitae), Labcorp
Classification: Uncertain significance for Dyskeratosis congenita, autosomal dominant 2; Idiopathic Pulmonary Fibrosis. Last evaluated: 2023-09-03. Review status: criteria provided, single submitter. Criteria: Invitae Variant Classification Sherloc (09022015). Collection method: clinical testing. Allele origin: germline.
Comment: In summary, the available evidence is currently insufficient to determine the role of this variant in disease. Therefore, it has been classified as a Variant of Uncertain Significance. Advanced modeling of protein sequence and biophysical properties (such as structural, functional, and spatial information, amino acid conservation, physicochemical variation, residue mobility, and thermodynamic stability) performed at Invitae indicates that this missense variant is expected to disrupt TERT protein function. This variant has not been reported in the literature in individuals affected with TERT-related conditions. The frequency data for this variant in the population databases is considered unreliable, as metrics indicate poor data quality at this position in the gnomAD database. This sequence change replaces proline, which is neutral and non-polar, with leucine, which is neutral and non-polar, at codon 391 of the TERT protein (p.Pro391Leu).